The following is an entry in ClinVar:

ClinVar aggregate classification (germline): Uncertain significance. Review status: criteria provided, multiple submitters, no conflicts (2 of 4 stars). 2 submissions from 2 submitters: Uncertain significance (2). Last evaluated 2022-11-08.

Conditions:
Early-infantile DEE. Also called: Early infantile epileptic encephalopathy with suppression bursts; Early infantile epileptic encephalopathy; Ohtahara syndrome. Identifiers: Orphanet 1934, MedGen C0393706, MONDO:0800491.
Inborn genetic diseases. Identifiers: MedGen C0950123, MeSH D030342.

Submissions (2):

Labcorp Genetics (formerly Invitae), Labcorp
Classification: Uncertain significance for Early-infantile DEE. Last evaluated: 2022-11-08. Review status: criteria provided, single submitter. Criteria: Invitae Variant Classification Sherloc (09022015). Collection method: clinical testing. Allele origin: germline.
Comment: Advanced modeling of protein sequence and biophysical properties (such as structural, functional, and spatial information, amino acid conservation, physicochemical variation, residue mobility, and thermodynamic stability) has been performed at Invitae for this missense variant, however the output from this modeling did not meet the statistical confidence thresholds required to predict the impact of this variant on SCN1A protein function. In summary, the available evidence is currently insufficient to determine the role of this variant in disease. Therefore, it has been classified as a Variant of Uncertain Significance. This variant has not been reported in the literature in individuals affected with SCN1A-related conditions. This variant is not present in population databases (gnomAD no frequency). This sequence change replaces isoleucine, which is neutral and non-polar, with methionine, which is neutral and non-polar, at codon 1772 of the SCN1A protein (p.Ile1772Met).

Ambry Genetics
Classification: Uncertain significance for Inborn genetic diseases. Last evaluated: 2020-11-10. Review status: criteria provided, single submitter. Criteria: Ambry Variant Classification Scheme 2023. Collection method: clinical testing. Allele origin: germline.
Comment: The p.I1772M variant (also known as c.5316A>G), located in coding exon 26 of the SCN1A gene, results from an A to G substitution at nucleotide position 5316. The isoleucine at codon 1772 is replaced by methionine, an amino acid with highly similar properties. This amino acid position is highly conserved in available vertebrate species. In addition, this alteration is predicted to be deleterious by in silico analysis. Since supporting evidence is limited at this time, the clinical significance of this alteration remains unclear.

NM_001165963.4(SCN1A):c.5316A>G (p.Ile1772Met)

Genes: SCN1A (sodium voltage-gated channel alpha subunit 1; minus strand), LOC102724058 (uncharacterized LOC102724058; plus strand). Cytogenetic location: 2q24.3.
Variant type: single nucleotide variant.
Coding change: c.5316A>G on transcript NM_001165963.4 (MANE Select); coding-DNA position 5316, A replaced by G.
Protein change: p.Ile1772Met; replaces isoleucine 1772 with methionine.
Molecular consequence: missense variant. On other transcripts: non-coding transcript variant (1).
Genome position (GRCh38, 1-based): chr2:165,991,959, T>C on the plus strand (A>G on the coding strand, the complement: SCN1A is on the minus strand). VCF-style: chr2-165991959-T-C. GRCh37 (hg19) VCF-style: chr2-166848469-T-C.
Other names: c.5232A>G, p.Ile1744Met (NM_001165964.3, NM_001353957.2, NM_001353958.2); c.5316A>G, p.Ile1772Met (NM_001202435.3, NM_001353948.2); c.5283A>G, p.Ile1761Met (NM_001353949.2, NM_001353950.2, NM_001353951.2 and 2 more transcripts); c.5280A>G, p.Ile1760Met (NM_001353954.2, NM_001353955.2); c.5229A>G, p.Ile1743Met (NM_001353960.2); c.2874A>G, p.Ile958Met (NM_001353961.2); short protein forms I1772M, I958M, I1761M, I1743M, I1744M, I1760M.
Identifiers: ClinVar variation 1746784 (VCV001746784.5), dbSNP rs2468333756, ClinGen allele CA349068179.